The following is an entry in ClinVar:

NM_015158.5(KANK1):c.2075T>C (p.Ile692Thr)

Gene: KANK1 (KN motif and ankyrin repeat domains 1; plus strand). Cytogenetic location: 9p24.3.
Variant type: single nucleotide variant.
Coding change: c.2075T>C on transcript NM_015158.5 (MANE Select); coding-DNA position 2075, T replaced by C.
Protein change: p.Ile692Thr; replaces isoleucine 692 with threonine.
Molecular consequence: missense variant. On other transcripts: non-coding transcript variant (1).
Genome position (GRCh38, 1-based): chr9:712,841, T>C. VCF-style: chr9-712841-T-C. GRCh37 (hg19) VCF-style: chr9-712841-T-C.
Other names: c.2075T>C, p.Ile692Thr (NM_001256876.3, NM_001256877.3, NM_001354331.2 and 2 more transcripts); c.1601T>C, p.Ile534Thr (NM_001354333.2, NM_001354335.2, NM_001354336.2 and 9 more transcripts); short protein forms I692T, I534T.
Identifiers: ClinVar variation 2881200 (VCV002881200.3), dbSNP rs930318977, ClinGen allele CA372749544.

ClinVar aggregate classification (germline): Uncertain significance (1 of 4 stars; one submission).

gnomAD v4.1: 1 of 1,613,210 alleles (0.000062%); highest among the groups gnomAD compares: Non-Finnish European, 0.000085%; no homozygotes.

Submission:

Labcorp Genetics (formerly Invitae), Labcorp
Classification: Uncertain significance. Last evaluated: 2024-06-03. Review status: criteria provided, single submitter. Criteria: Invitae Variant Classification Sherloc (09022015). Collection method: clinical testing. Allele origin: germline.
Comment: This sequence change replaces isoleucine, which is neutral and non-polar, with threonine, which is neutral and polar, at codon 692 of the KANK1 protein (p.Ile692Thr). This variant is not present in population databases (gnomAD no frequency). This variant has not been reported in the literature in individuals affected with KANK1-related conditions. Advanced modeling of protein sequence and biophysical properties (such as structural, functional, and spatial information, amino acid conservation, physicochemical variation, residue mobility, and thermodynamic stability) performed at Invitae indicates that this missense variant is not expected to disrupt KANK1 protein function with a negative predictive value of 80%. In summary, the available evidence is currently insufficient to determine the role of this variant in disease. Therefore, it has been classified as a Variant of Uncertain Significance.